The following is an entry in ClinVar:

ClinVar aggregate classification (germline): Conflicting classifications of pathogenicity. Review status: criteria provided, conflicting classifications (1 of 4 stars). 12 submissions from 11 submitters: Uncertain significance (4); Likely benign (5). 3 of the submissions do not count toward it. Last evaluated 2026-02-02.

Conditions:
CDH23-related disorder. Also called: CDH23-related condition; CDH23-related disorders.
Retinal dystrophy. Also called: Inherited retinal dystrophy. Identifiers: Orphanet 71862, MedGen C0854723, MeSH D058499, MONDO:0019118, HP:0000556.
Usher syndrome type 1 (USH1). Also called: RETINITIS PIGMENTOSA AND CONGENITAL DEAFNESS. Identifiers: Orphanet 231169, Orphanet 886, MedGen C1568247, MONDO:0010168, OMIM 276900.
Usher syndrome type 1D (USH1D). Also called: USHER SYNDROME, TYPE ID. Identifiers: Orphanet 231169, Orphanet 886, MedGen C1832845, MONDO:0010984, OMIM 601067.
Autosomal recessive nonsyndromic hearing loss 12. Also called: DEAFNESS, AUTOSOMAL RECESSIVE 12. Identifiers: Orphanet 90636, MedGen C1832394, MONDO:0011067, OMIM 601386.

Allele frequency attached by ClinVar (database versions not stated): gnomAD 0.00023 and 0.00028; ESP Exome Variant Server 0.00024; TOPMed 0.00026; 1000 Genomes Project 30x 0.00047; ExAC 0.00077; gnomAD exomes 0.00051 and 0.00059; 1000 Genomes Project 0.00060.
gnomAD v4.1: 776 of 1,612,136 alleles (0.048%); highest among the groups gnomAD compares: South Asian, 0.25%; 3 homozygotes.

Submissions (12):

Labcorp Genetics (formerly Invitae), Labcorp
Classification: Likely benign. Last evaluated: 2026-02-02. Review status: criteria provided, single submitter. Criteria: Invitae Variant Classification Sherloc (09022015). Collection method: clinical testing. Allele origin: germline.

PreventionGenetics, part of Exact Sciences
Classification: Likely benign for CDH23-related condition. Last evaluated: 2025-11-26. Review status: criteria provided, single submitter. Criteria: ACMG Guidelines, 2015. Collection method: clinical testing. Allele origin: germline.
Comment: This variant is classified as likely benign based on ACMG/AMP sequence variant interpretation guidelines (Richards et al. 2015 PMID: 25741868, with internal and published modifications).

Blueprint Genetics
Classification: Likely benign. Last evaluated: 2024-11-08. Review status: criteria provided, single submitter. Criteria: ACMG Guidelines, 2015. Collection method: clinical testing. Allele origin: germline.

Genomic Medicine Center of Excellence, King Faisal Specialist Hospital and Research Centre
Classification: Likely benign for Usher syndrome type 1D. Last evaluated: 2024-04-04. Review status: criteria provided, single submitter. Criteria: ACMG Guidelines, 2015. Collection method: clinical testing. Allele origin: germline.

Institute of Human Genetics, Univ. Regensburg, Univ. Regensburg
Classification: Uncertain significance for Retinal dystrophy. Last evaluated: 2023-01-01. Review status: criteria provided, single submitter. Criteria: ACMG Guidelines, 2015. Collection method: clinical testing. Allele origin: germline. Affected: yes.

Illumina Laboratory Services, Illumina
Classification: Uncertain significance for Autosomal recessive nonsyndromic hearing loss 12. Last evaluated: 2018-01-12. Review status: criteria provided, single submitter. Criteria: ICSL Variant Classification Criteria 13 December 2019. Collection method: clinical testing. Allele origin: germline.

Illumina Laboratory Services, Illumina
Classification: Uncertain significance for Usher syndrome type 1D. Last evaluated: 2018-01-12. Review status: criteria provided, single submitter. Criteria: ICSL Variant Classification Criteria 13 December 2019. Collection method: clinical testing. Allele origin: germline.

Laboratory for Molecular Medicine, Mass General Brigham Personalized Medicine
Classification: Likely benign. Last evaluated: 2017-06-26. Review status: criteria provided, single submitter. Criteria: LMM Criteria. Collection method: clinical testing. Allele origin: germline. Observed: 2 variant alleles.
Comment: p.Thr532Met in exon 16 of CDH23: This variant is not expected to have clinical s ignificance because it has been identified in 0.3% (81/29912) of South Asian chr omosomes including 2 homozygotes by the Genome Aggregation Database (gnomAD; dbSNP rs201297042).

Eurofins Ntd Llc (ga)
Classification: Uncertain significance. Last evaluated: 2014-11-07. Review status: criteria provided, single submitter. Criteria: EGL Classification Definitions 2015. Collection method: clinical testing. Allele origin: germline. Observed: 1 variant allele, 1 heterozygote.

Natera, Inc.
Classification: Likely benign for Usher syndrome type 1. Last evaluated: 2020-09-16. Review status: no assertion criteria provided. Collection method: clinical testing. Allele origin: germline. Not counted in ClinVar's aggregate classification.

Clinical Genetics DNA and cytogenetics Diagnostics Lab, Erasmus MC, Erasmus Medical Center
Classification: Uncertain significance. Review status: no assertion criteria provided. Collection method: clinical testing. Allele origin: germline. Affected: yes. Study: VKGL Data-share Consensus. Not counted in ClinVar's aggregate classification.

Joint Genome Diagnostic Labs from Nijmegen and Maastricht, Radboudumc and MUMC+
Classification: Uncertain significance. Review status: no assertion criteria provided. Collection method: clinical testing. Allele origin: germline. Affected: yes. Study: VKGL Data-share Consensus. Not counted in ClinVar's aggregate classification.

Literature cited by the submitters: PubMed 26969326 (cited by Institute of Human Genetics, Univ. Regensburg, Univ. Regensburg); PubMed 29148562 (cited by Institute of Human Genetics, Univ. Regensburg, Univ. Regensburg); PubMed 34426522 (cited by Institute of Human Genetics, Univ. Regensburg, Univ. Regensburg); PubMed 22135276 (cited by Laboratory for Molecular Medicine, Mass General Brigham Personalized Medicine and Eurofins Ntd Llc (ga)).

NM_022124.6(CDH23):c.1595C>T (p.Thr532Met)

Gene: CDH23 (cadherin related 23; plus strand). Cytogenetic location: 10q22.1.
Variant type: single nucleotide variant.
Coding change: c.1595C>T on transcript NM_022124.6 (MANE Select); coding-DNA position 1595, C replaced by T.
Protein change: p.Thr532Met; replaces threonine 532 with methionine.
Molecular consequence: missense variant.
Genome position (GRCh38, 1-based): chr10:71,677,536, C>T. VCF-style: chr10-71677536-C-T. GRCh37 (hg19) VCF-style: chr10-73437293-C-T.
Other names: c.1595C>T, p.Thr532Met (NM_001171930.2, NM_001171931.2); short protein forms T532M.
Identifiers: ClinVar variation 194671 (VCV000194671.30), dbSNP rs201297042, ClinGen allele CA240778.